The following is an entry in ClinVar:

NM_001379451.1(BCORL1):c.387C>T (p.Ser129=)

Gene: BCORL1 (BCL6 corepressor like 1; plus strand). Cytogenetic location: Xq26.1.
Variant type: single nucleotide variant.
Coding change: c.387C>T on transcript NM_001379451.1 (MANE Select); coding-DNA position 387, C replaced by T.
Protein change: p.Ser129=; no amino-acid change (serine 129 retained).
Molecular consequence: synonymous variant.
Genome position (GRCh38, 1-based): chrX:130,013,159, C>T. VCF-style: chrX-130013159-C-T. GRCh37 (hg19) VCF-style: chrX-129147135-C-T.
Other names: c.387C>T, p.Ser129= (NM_001184772.3, NM_001379450.1, NM_021946.5).
Identifiers: ClinVar variation 2661410 (VCV002661410.24), dbSNP rs755647755, ClinGen allele CA10514113.

ClinVar aggregate classification (germline): Likely benign (1 of 4 stars; one submission).

Allele frequency attached by ClinVar (database versions not stated): ExAC 0.00001; gnomAD exomes 0.00001; gnomAD 0.00002; TOPMed 0.00002.
gnomAD v4.1: 13 of 1,210,086 alleles (0.0011%); highest among the groups gnomAD compares: South Asian, 0.0018%; no homozygotes.

Submission:

CeGaT Center for Human Genetics Tuebingen
Classification: Likely benign. Last evaluated: 2023-10-01. Review status: criteria provided, single submitter. Criteria: CeGaT Center For Human Genetics Tuebingen Variant Classification Criteria Version 2. Collection method: clinical testing. Allele origin: germline. Affected: yes. Observed: 1 variant allele.
Comment: BCORL1: BP4, BP7